The following is an entry in ClinVar:

ClinVar aggregate classification (germline): Pathogenic (1 of 4 stars; one submission).

Conditions:
Very long chain acyl-CoA dehydrogenase deficiency (ACADVLD). Also called: Very Long-Chain Acyl-Coenzyme A Dehydrogenase Deficiency; VLCAD Deficiency. Identifiers: Orphanet 26793, MedGen C3887523, MONDO:0008723, OMIM 201475.

Submission:

Women's Health and Genetics/Laboratory Corporation of America, LabCorp
Classification: Pathogenic for Very long chain acyl-CoA dehydrogenase deficiency. Last evaluated: 2025-05-23. Review status: criteria provided, single submitter. Criteria: LabCorp Variant Classification Summary - May 2015. Collection method: clinical testing. Allele origin: germline.
Comment: Variant summary: ACADVL c.31_32delinsC (p.Gly11ArgfsX5) results in a premature termination codon, predicted to cause a truncation of the encoded protein or absence of the protein due to nonsense mediated decay, which are commonly known mechanisms for disease. The variant was absent in 227974 control chromosomes. To our knowledge, no occurrence of c.31_32delinsC in individuals affected with Very Long Chain Acyl-CoA Dehydrogenase Deficiency and no experimental evidence demonstrating its impact on protein function have been reported. No submitters have cited clinical-significance assessments for this variant to ClinVar. Based on the evidence outlined above, the variant was classified as pathogenic.

NM_000018.4(ACADVL):c.31_32delinsC (p.Gly11fs)

Genes: ACADVL (acyl-CoA dehydrogenase very long chain; plus strand), DLG4 (discs large MAGUK scaffold protein 4; minus strand). Cytogenetic location: 17p13.1.
Variant type: Indel.
Coding change: c.31_32delinsC on transcript NM_000018.4 (MANE Select); coding-DNA positions 31 to 32, GG replaced by C.
Protein change: p.Gly11fs; shifts the reading frame from glycine 11.
Molecular consequence: frameshift variant. On other transcripts: 5 prime UTR variant (2), non-coding transcript variant (1), intron variant (1).
Genome position (GRCh38, 1-based): chr17:7,220,015-7,220,016, GG replaced by C. VCF-style: chr17-7220015-GG-C. GRCh37 (hg19) VCF-style: chr17-7123334-GG-C.
Other names: c.-1167_-1166delinsG (NM_001321074.1); c.31_32delinsC, p.Gly11fs (NM_001033859.3); c.-273_-272delinsC (NM_001270448.2); c.132-107_132-106delinsC (NM_001270447.2); short protein forms G11fs.
Identifiers: ClinVar variation 3902730 (VCV003902730.1).